The following is an entry in ClinVar:

ClinVar aggregate classification (germline): Uncertain significance (1 of 4 stars; one submission).

Conditions:
Fanconi anemia (FA). Also called: Fanconi's anemia. Identifiers: Orphanet 84, MedGen C0015625, MeSH D005199, MONDO:0019391.

Allele frequency attached by ClinVar (database versions not stated): gnomAD exomes below 0.00001 and 0.00001; gnomAD 0.00001; TOPMed 0.00001.
gnomAD v4.1: 6 of 1,551,064 alleles (0.00039%); highest among the groups gnomAD compares: Non-Finnish European, 0.00052%; no homozygotes.

Submission:

Labcorp Genetics (formerly Invitae), Labcorp
Classification: Uncertain significance for Fanconi anemia. Last evaluated: 2022-03-11. Review status: criteria provided, single submitter. Criteria: Invitae Variant Classification Sherloc (09022015). Collection method: clinical testing. Allele origin: germline.
Comment: This sequence change replaces arginine, which is basic and polar, with glutamine, which is neutral and polar, at codon 879 of the FANCI protein (p.Arg879Gln). This variant also falls at the last nucleotide of exon 24, which is part of the consensus splice site for this exon. The frequency data for this variant in the population databases is considered unreliable, as metrics indicate poor data quality at this position in the gnomAD database. This variant has not been reported in the literature in individuals affected with FANCI-related conditions. Algorithms developed to predict the effect of missense changes on protein structure and function (SIFT, PolyPhen-2, Align-GVGD) all suggest that this variant is likely to be tolerated. Variants that disrupt the consensus splice site are a relatively common cause of aberrant splicing (PMID: 17576681, 9536098). Algorithms developed to predict the effect of sequence changes on RNA splicing suggest that this variant may disrupt the consensus splice site. In summary, the available evidence is currently insufficient to determine the role of this variant in disease. Therefore, it has been classified as a Variant of Uncertain Significance.

Literature cited by the submitters: PubMed 17576681; PubMed 9536098.

NM_001113378.2(FANCI):c.2636G>A (p.Arg879Gln)

Gene: FANCI (FA complementation group I; plus strand). Cytogenetic location: 15q26.1.
Variant type: single nucleotide variant.
Coding change: c.2636G>A on transcript NM_001113378.2 (MANE Select); coding-DNA position 2636, G replaced by A.
Protein change: p.Arg879Gln; replaces arginine 879 with glutamine.
Molecular consequence: missense variant. On other transcripts: intron variant (1).
Genome position (GRCh38, 1-based): chr15:89,295,094, G>A. VCF-style: chr15-89295094-G-A. GRCh37 (hg19) VCF-style: chr15-89838325-G-A.
Other names: c.2357G>A, p.Arg786Gln (NM_001376910.1); c.2636G>A, p.Arg879Gln (NM_001376911.1); c.2456+1097G>A (NM_018193.3); short protein forms R786Q, R879Q.
Identifiers: ClinVar variation 1431139 (VCV001431139.5), dbSNP rs1488657979, ClinGen allele CA393751188.